The following is an entry in ClinVar:

NM_016239.4(MYO15A):c.7893+9G>A

Gene: MYO15A (myosin XVA; plus strand). Cytogenetic location: 17p11.2.
Variant type: single nucleotide variant.
Coding change: c.7893+9G>A on transcript NM_016239.4 (MANE Select); 9 bases into the intron after coding-DNA position 7893, G replaced by A.
Molecular consequence: intron variant.
Genome position (GRCh38, 1-based): chr17:18,151,960, G>A. VCF-style: chr17-18151960-G-A. GRCh37 (hg19) VCF-style: chr17-18055274-G-A.
Other names: c.7893+9G>A (NM_016239.3).
Identifiers: ClinVar variation 2758705 (VCV002758705.4), dbSNP rs919167961, ClinGen allele CA288412876.
Genomic context (GRCh38, chr17:18,151,960, plus strand): 5'-GATGATCCTGAAAGGGCAGATGACCCACCTGGCAGCTGCACCTGGCACCCAGGTGAGGGG[G>A]GAAGGTGGGGCTGAGCCCAGGTGGAACAGAAGACAAAGAGGGGCCTCAGGGATCCTCAGA-3'

ClinVar aggregate classification (germline): Likely benign. Review status: criteria provided, multiple submitters, no conflicts (2 of 4 stars). 2 submissions from 2 submitters: Likely benign (2). Last evaluated 2025-10-21.

Conditions:
MYO15A-related disorder. Also called: MYO15A-related condition.

Allele frequency attached by ClinVar (database versions not stated): gnomAD exomes below 0.00001; gnomAD 0.00003.
gnomAD v4.1: 10 of 1,554,830 alleles (0.00064%); highest among the groups gnomAD compares: African/African-American, 0.012%; no homozygotes.

Submissions (2):

PreventionGenetics, part of Exact Sciences
Classification: Likely benign for MYO15A-related condition. Last evaluated: 2025-10-21. Review status: criteria provided, single submitter. Criteria: ACMG Guidelines, 2015. Collection method: clinical testing. Allele origin: germline.
Comment: This variant is classified as likely benign based on ACMG/AMP sequence variant interpretation guidelines (Richards et al. 2015 PMID: 25741868, with internal and published modifications).

Labcorp Genetics (formerly Invitae), Labcorp
Classification: Likely benign. Last evaluated: 2024-03-13. Review status: criteria provided, single submitter. Criteria: Invitae Variant Classification Sherloc (09022015). Collection method: clinical testing. Allele origin: germline.